The following is an entry in ClinVar:

ClinVar aggregate classification (germline): Uncertain significance. Review status: criteria provided, multiple submitters, no conflicts (2 of 4 stars). 2 submissions from 2 submitters: Uncertain significance (2). Last evaluated 2026-02-18.

Conditions:
Mitochondrial complex II deficiency, nuclear type 1. Also called: SUCCINATE CoQ REDUCTASE DEFICIENCY. Identifiers: Orphanet 3208, MedGen C5700310, MONDO:0100294, OMIM 252011.
Pheochromocytoma/paraganglioma syndrome 5. Also called: Paragangliomas 5; SDHA-Related Hereditary Paraganglioma-Pheochromocytoma Syndrome. Identifiers: Orphanet 29072, MedGen C3279992, MONDO:0013602, OMIM 614165.
Hereditary cancer-predisposing syndrome. Also called: Tumor predisposition; Hereditary Cancer Syndrome; Neoplastic Syndromes, Hereditary; Hereditary neoplastic syndrome. Identifiers: Orphanet 140162, MedGen C0027672, MeSH D009386, MONDO:0015356.

Submissions (2):

Ambry Genetics
Classification: Uncertain significance for Hereditary cancer-predisposing syndrome. Last evaluated: 2026-02-18. Review status: criteria provided, single submitter. Criteria: Ambry Variant Classification Scheme 2023. Collection method: clinical testing. Allele origin: germline.
Comment: The p.A102P variant (also known as c.304G>C), located in coding exon 3 of the SDHA gene, results from a G to C substitution at nucleotide position 304. The alanine at codon 102 is replaced by proline, an amino acid with highly similar properties. This variant was reported in individual(s) with features consistent with SDHA-related hereditary pheochromocytoma-paraganglioma (Ambry internal data). This amino acid position is highly conserved in available vertebrate species. In addition, this alteration is predicted to be deleterious by in silico analysis. Based on the available evidence, the clinical significance of this variant remains unclear.

Labcorp Genetics (formerly Invitae), Labcorp
Classification: Uncertain significance for Pheochromocytoma/paraganglioma syndrome 5; Mitochondrial complex II deficiency, nuclear type 1. Last evaluated: 2024-01-06. Review status: criteria provided, single submitter. Criteria: Invitae Variant Classification Sherloc (09022015). Collection method: clinical testing. Allele origin: germline.
Comment: This sequence change replaces alanine, which is neutral and non-polar, with proline, which is neutral and non-polar, at codon 102 of the SDHA protein (p.Ala102Pro). This variant is not present in population databases (gnomAD no frequency). This variant has not been reported in the literature in individuals affected with SDHA-related conditions. Advanced modeling of protein sequence and biophysical properties (such as structural, functional, and spatial information, amino acid conservation, physicochemical variation, residue mobility, and thermodynamic stability) has been performed at Invitae for this missense variant, however the output from this modeling did not meet the statistical confidence thresholds required to predict the impact of this variant on SDHA protein function. In summary, the available evidence is currently insufficient to determine the role of this variant in disease. Therefore, it has been classified as a Variant of Uncertain Significance.

NM_004168.4(SDHA):c.304G>C (p.Ala102Pro)

Gene: SDHA (succinate dehydrogenase complex flavoprotein subunit A; plus strand). Cytogenetic location: 5p15.33.
Variant type: single nucleotide variant.
Coding change: c.304G>C on transcript NM_004168.4 (MANE Select); coding-DNA position 304, G replaced by C.
Protein change: p.Ala102Pro; replaces alanine 102 with proline.
Molecular consequence: missense variant.
Genome position (GRCh38, 1-based): chr5:224,513, G>C. VCF-style: chr5-224513-G-C. GRCh37 (hg19) VCF-style: chr5-224628-G-C.
Other names: c.304G>C (NM_004168.2); c.304G>C, p.Ala102Pro (NM_001294332.2, NM_001330758.2); short protein forms A102P.
Identifiers: ClinVar variation 2921997 (VCV002921997.5), dbSNP rs2477287312, ClinGen allele CA359008681.